The following is an entry in ClinVar:

ClinVar aggregate classification (germline): Likely benign (1 of 4 stars; one submission).

gnomAD v4.1: 5 of 1,614,234 alleles (0.00031%); highest among the groups gnomAD compares: South Asian, 0.0022%; no homozygotes.

Submission:

CeGaT Center for Human Genetics Tuebingen
Classification: Likely benign. Last evaluated: 2025-12-01. Review status: criteria provided, single submitter. Criteria: CeGaT Center For Human Genetics Tuebingen Variant Classification Criteria Version 2. Collection method: clinical testing. Allele origin: germline. Affected: yes. Observed: 1 variant allele.
Comment: EIF5A: BP4, BP7

NM_001970.5(EIF5A):c.159C>T (p.His53=)

Gene: EIF5A (eukaryotic translation initiation factor 5A; plus strand). Cytogenetic location: 17p13.1.
Variant type: single nucleotide variant.
Coding change: c.159C>T on transcript NM_001970.5 (MANE Select); coding-DNA position 159, C replaced by T.
Protein change: p.His53=; no amino-acid change (histidine 53 retained).
Molecular consequence: synonymous variant.
Genome position (GRCh38, 1-based): chr17:7,309,794, C>T. VCF-style: chr17-7309794-C-T. GRCh37 (hg19) VCF-style: chr17-7213113-C-T.
Other names: c.249C>T, p.His83= (NM_001143760.1); c.159C>T, p.His53= (NM_001143761.1, NM_001143762.2, NM_001370420.1 and 1 more transcripts).
Identifiers: ClinVar variation 4681359 (VCV004681359.5).